The following is an entry in ClinVar:

NM_004979.6(KCND1):c.603C>T (p.Ile201=)

Gene: KCND1 (potassium voltage-gated channel subfamily D member 1; minus strand). Cytogenetic location: Xp11.23.
Variant type: single nucleotide variant.
Coding change: c.603C>T on transcript NM_004979.6 (MANE Select); coding-DNA position 603, C replaced by T.
Protein change: p.Ile201=; no amino-acid change (isoleucine 201 retained).
Molecular consequence: synonymous variant.
Genome position (GRCh38, 1-based): chrX:48,969,669, G>A on the plus strand (C>T on the coding strand, the complement: KCND1 is on the minus strand). VCF-style: chrX-48969669-G-A. GRCh37 (hg19) VCF-style: chrX-48826076-G-A.
Identifiers: ClinVar variation 2660495 (VCV002660495.24), dbSNP rs184160237, ClinGen allele CA10406862.

ClinVar aggregate classification (germline): Likely benign (1 of 4 stars; one submission).

Allele frequency attached by ClinVar (database versions not stated): gnomAD exomes 0.00020; ExAC 0.00027; gnomAD 0.00041; TOPMed 0.00063; 1000 Genomes Project 0.00159; 1000 Genomes Project 30x 0.00208.
gnomAD v4.1: 282 of 1,209,381 alleles (0.023%); highest among the groups gnomAD compares: Middle Eastern, 0.48%; no homozygotes.

Submission:

CeGaT Center for Human Genetics Tuebingen
Classification: Likely benign. Last evaluated: 2022-08-01. Review status: criteria provided, single submitter. Criteria: CeGaT Center For Human Genetics Tuebingen Variant Classification Criteria Version 2. Collection method: clinical testing. Allele origin: germline. Affected: yes. Observed: 1 variant allele.
Comment: KCND1: BP4, BP7